The following is an entry in ClinVar:

NM_000426.4(LAMA2):c.7225dup (p.Ala2409fs)

Gene: LAMA2 (laminin subunit alpha 2; plus strand). Cytogenetic location: 6q22.33.
Variant type: Duplication.
Coding change: c.7225dup on transcript NM_000426.4 (MANE Select); coding-DNA position 7225, one base duplicated (G; older notation c.7225dupG).
Protein change: p.Ala2409fs; shifts the reading frame from alanine 2409.
Molecular consequence: frameshift variant.
Genome position (GRCh38, 1-based): chr6:129,465,214, G duplicated; the last of 2 consecutive G bases (chr6:129,465,213-129,465,214); duplicating either gives the same sequence. VCF-style (leftmost placement, unchanged base first): chr6-129465212-T-TG. GRCh37 (hg19) VCF-style: chr6-129786357-T-TG.
Other names: c.7225dup, p.Ala2409fs (NM_001079823.2); short protein forms A2409fs.
Identifiers: ClinVar variation 5014125 (VCV005014125.1).

ClinVar aggregate classification (germline): Pathogenic (1 of 4 stars; one submission).

Conditions:
LAMA2-related muscular dystrophy (LAMA2-RD). Also called: Laminin alpha 2-related dystrophy. Identifiers: MedGen C5679788, MONDO:0100228.

Submission:

Myriad Genetics, Inc.
Classification: Pathogenic for LAMA2-related muscular dystrophy. Last evaluated: 2025-02-22. Review status: criteria provided, single submitter. Criteria: Myriad Autosomal Dominant, Autosomal Recessive and X-Linked Classification Criteria (2023). Collection method: clinical testing. Allele origin: unknown.
Comment: NM_000426.3(LAMA2):c.7225dupG(A2409Gfs*10) is expected to be pathogenic in the context of muscular dystrophy, LAMA2-related. This variant is predicted to lead to an abnormal or absent protein product due to the creation of a premature termination codon in LAMA2, a gene where loss-of-function variants are known to be pathogenic. Please note: this variant was assessed in the context of healthy population screening.